The following is an entry in ClinVar:

ClinVar aggregate classification (germline): Uncertain significance. Review status: criteria provided, multiple submitters, no conflicts (2 of 4 stars). 2 submissions from 2 submitters: Uncertain significance (2). Last evaluated 2025-04-24.

Conditions:
Inborn genetic diseases. Identifiers: MedGen C0950123, MeSH D030342.

Allele frequency attached by ClinVar (database versions not stated): gnomAD exomes 0.00001; gnomAD 0.00003; TOPMed 0.00003.
gnomAD v4.1: 20 of 1,614,016 alleles (0.0012%); highest among the groups gnomAD compares: Non-Finnish European, 0.0016%; no homozygotes.

Submissions (2):

Ambry Genetics
Classification: Uncertain significance for Inborn genetic diseases. Last evaluated: 2025-04-24. Review status: criteria provided, single submitter. Criteria: Ambry Variant Classification Scheme 2023. Collection method: clinical testing. Allele origin: germline.

Labcorp Genetics (formerly Invitae), Labcorp
Classification: Uncertain significance. Last evaluated: 2022-10-17. Review status: criteria provided, single submitter. Criteria: Invitae Variant Classification Sherloc (09022015). Collection method: clinical testing. Allele origin: germline.
Comment: This sequence change replaces phenylalanine, which is neutral and non-polar, with serine, which is neutral and polar, at codon 1063 of the EPRS protein (p.Phe1063Ser). This variant is present in population databases (no rsID available, gnomAD 0.002%). This variant has not been reported in the literature in individuals affected with EPRS-related conditions. ClinVar contains an entry for this variant (Variation ID: 1680876). Algorithms developed to predict the effect of missense changes on protein structure and function are either unavailable or do not agree on the potential impact of this missense change (SIFT: "Deleterious"; PolyPhen-2: "Possibly Damaging"; Align-GVGD: "Class C0"). In summary, the available evidence is currently insufficient to determine the role of this variant in disease. Therefore, it has been classified as a Variant of Uncertain Significance.

NM_004446.3(EPRS1):c.3188T>C (p.Phe1063Ser)

Gene: EPRS1 (glutamyl-prolyl-tRNA synthetase 1; minus strand). Cytogenetic location: 1q41.
Variant type: single nucleotide variant.
Coding change: c.3188T>C on transcript NM_004446.3 (MANE Select); coding-DNA position 3188, T replaced by C.
Protein change: p.Phe1063Ser; replaces phenylalanine 1063 with serine.
Molecular consequence: missense variant.
Genome position (GRCh38, 1-based): chr1:219,983,301, A>G on the plus strand (T>C on the coding strand, the complement: EPRS1 is on the minus strand). VCF-style: chr1-219983301-A-G. GRCh37 (hg19) VCF-style: chr1-220156643-A-G.
Other names: c.3188T>C (NM_004446.2); short protein forms F1063S.
Identifiers: ClinVar variation 1680876 (VCV001680876.9), dbSNP rs1195539640, ClinGen allele CA344639221.